The following is an entry in ClinVar:

ClinVar aggregate classification (germline): Uncertain significance (1 of 4 stars; one submission).

Allele frequency attached by ClinVar (database versions not stated): TOPMed below 0.00001; gnomAD exomes 0.00003.
gnomAD v4.1: 36 of 1,612,966 alleles (0.0022%); highest among the groups gnomAD compares: Non-Finnish European, 0.0031%; no homozygotes.

Submission:

Labcorp Genetics (formerly Invitae), Labcorp
Classification: Uncertain significance. Last evaluated: 2021-08-14. Review status: criteria provided, single submitter. Criteria: Invitae Variant Classification Sherloc (09022015). Collection method: clinical testing. Allele origin: germline.
Comment: This sequence change replaces glycine with glutamic acid at codon 265 of the WISP3 protein (p.Gly265Glu). The glycine residue is moderately conserved and there is a moderate physicochemical difference between glycine and glutamic acid. This variant is not present in population databases (ExAC no frequency). This variant has not been reported in the literature in individuals affected with WISP3-related conditions. Algorithms developed to predict the effect of missense changes on protein structure and function are either unavailable or do not agree on the potential impact of this missense change (SIFT: "Deleterious"; PolyPhen-2: "Possibly Damaging"; Align-GVGD: "Class C0"). In summary, the available evidence is currently insufficient to determine the role of this variant in disease. Therefore, it has been classified as a Variant of Uncertain Significance.

NM_198239.2(CCN6):c.794G>A (p.Gly265Glu)

Gene: CCN6 (cellular communication network factor 6; plus strand). Cytogenetic location: 6q21.
Variant type: single nucleotide variant.
Coding change: c.794G>A on transcript NM_198239.2 (MANE Select); coding-DNA position 794, G replaced by A.
Protein change: p.Gly265Glu; replaces glycine 265 with glutamic acid.
Molecular consequence: missense variant. On other transcripts: non-coding transcript variant (2).
Genome position (GRCh38, 1-based): chr6:112,069,349, G>A. VCF-style: chr6-112069349-G-A. GRCh37 (hg19) VCF-style: chr6-112390552-G-A.
Other names: c.794G>A, p.Gly265Glu (NM_003880.4); short protein forms G265E.
Identifiers: ClinVar variation 1680472 (VCV001680472.5), dbSNP rs1438976078, ClinGen allele CA365375609.